The following is an entry in ClinVar:

ClinVar aggregate classification (germline): Uncertain significance (1 of 4 stars; one submission).

Conditions:
Inborn genetic diseases. Identifiers: MedGen C0950123, MeSH D030342.

Submission:

Ambry Genetics
Classification: Uncertain significance for Inborn genetic diseases. Last evaluated: 2026-04-28. Review status: criteria provided, single submitter. Criteria: Ambry Variant Classification Scheme 2023. Collection method: clinical testing. Allele origin: germline.
Comment: The p.A485D variant (also known as c.1454C>A), located in coding exon 13 of the ANKRD26 gene, results from a C to A substitution at nucleotide position 1454. The alanine at codon 485 is replaced by aspartic acid, an amino acid with dissimilar properties. This amino acid position is conserved. In addition, this alteration is predicted to be tolerated by in silico analysis. Based on the available evidence, the clinical significance of this variant remains unclear.

NM_014915.3(ANKRD26):c.1454C>A (p.Ala485Asp)

Gene: ANKRD26 (ankyrin repeat domain 26; minus strand). Cytogenetic location: 10p12.1.
Variant type: single nucleotide variant.
Coding change: c.1454C>A on transcript NM_014915.3 (MANE Select); coding-DNA position 1454, C replaced by A.
Protein change: p.Ala485Asp; replaces alanine 485 with aspartic acid.
Molecular consequence: missense variant.
Genome position (GRCh38, 1-based): chr10:27,061,152, G>T on the plus strand (C>A on the coding strand, the complement: ANKRD26 is on the minus strand). VCF-style: chr10-27061152-G-T. GRCh37 (hg19) VCF-style: chr10-27350081-G-T.
Other names: c.1454C>A, p.Ala485Asp (NM_001256053.2); short protein forms A485D.
Identifiers: ClinVar variation 4859593 (VCV004859593.1).